The following is an entry in ClinVar:

NM_014634.4(PPM1F):c.1193G>A (p.Arg398Gln)

Gene: PPM1F (protein phosphatase, Mg2+/Mn2+ dependent 1F; minus strand). Cytogenetic location: 22q11.22.
Variant type: single nucleotide variant.
Coding change: c.1193G>A on transcript NM_014634.4 (MANE Select); coding-DNA position 1193, G replaced by A.
Protein change: p.Arg398Gln; replaces arginine 398 with glutamine.
Molecular consequence: missense variant.
Genome position (GRCh38, 1-based): chr22:21,923,264, C>T on the plus strand (G>A on the coding strand, the complement: PPM1F is on the minus strand). VCF-style: chr22-21923264-C-T. GRCh37 (hg19) VCF-style: chr22-22277637-C-T.
Other names: c.689G>A, p.Arg230Gln (NM_001410836.1); short protein forms R230Q, R398Q.
Identifiers: ClinVar variation 2143587 (VCV002143587.4), dbSNP rs201217825, ClinGen allele CA10124854.
Genomic context (GRCh38, chr22:21,923,264, plus strand): 5'-TCTTGGGGGTCCCTGAGGAAGACCACCATGACCGTGATGTTGTCGTGGGAGCCCCGCTCC[C>T]GGGCCGCAGCCACCAGCTCCTCGGCGACACGGAGCCCGCTGCCCTGCTGCCTGGTCAGGT-3'
Protein context (NP_055449.1, residues 388-408): RVAEELVAAA[Arg398Gln]ERGSHDNITV

ClinVar aggregate classification (germline): Uncertain significance (1 of 4 stars; one submission).

Allele frequency attached by ClinVar (database versions not stated): TOPMed 0.00014; gnomAD 0.00023; ExAC 0.00026.
gnomAD v4.1: 371 of 1,613,276 alleles (0.023%); highest among the groups gnomAD compares: South Asian, 0.076%; no homozygotes.

Submission:

Labcorp Genetics (formerly Invitae), Labcorp
Classification: Uncertain significance. Last evaluated: 2025-12-18. Review status: criteria provided, single submitter. Criteria: Invitae Variant Classification Sherloc (09022015). Collection method: clinical testing. Allele origin: germline.
Comment: This sequence change replaces arginine, which is basic and polar, with glutamine, which is neutral and polar, at codon 398 of the PPM1F protein (p.Arg398Gln). This variant is present in population databases (rs201217825, gnomAD 0.06%), and has an allele count higher than expected for a pathogenic variant. This variant has not been reported in the literature in individuals affected with PPM1F-related conditions. ClinVar contains an entry for this variant (Variation ID: 2143587). An algorithm developed to predict the effect of missense changes on protein structure and function (PolyPhen-2) suggests that this variant is likely to be disruptive. In summary, the available evidence is currently insufficient to determine the role of this variant in disease. Therefore, it has been classified as a Variant of Uncertain Significance.